The following is an entry in ClinVar:

NM_000059.4(BRCA2):c.3314C>T (p.Pro1105Leu)

Gene: BRCA2 (BRCA2 DNA repair associated; plus strand). Cytogenetic location: 13q13.1.
Variant type: single nucleotide variant.
Coding change: c.3314C>T on transcript NM_000059.4 (MANE Select); coding-DNA position 3314, C replaced by T.
Protein change: p.Pro1105Leu; replaces proline 1105 with leucine.
Molecular consequence: missense variant. On other transcripts: non-coding transcript variant (1), intron variant (2).
Genome position (GRCh38, 1-based): chr13:32,337,669, C>T. VCF-style: chr13-32337669-C-T. GRCh37 (hg19) VCF-style: chr13-32911806-C-T.
Other names: c.3314C>T, p.Pro1105Leu (NM_001406719.1, NM_001406720.1, NM_001432077.1); c.1909+4282C>T (NM_001406721.1); c.424+6639C>T (NM_001406722.1); short protein forms P1105L.
Identifiers: ClinVar variation 3825488 (VCV003825488.1).

ClinVar aggregate classification (germline): Uncertain significance (1 of 4 stars; one submission).

Conditions:
Hereditary cancer-predisposing syndrome. Also called: Hereditary neoplastic syndrome; Neoplastic Syndromes, Hereditary; Tumor predisposition; Hereditary Cancer Syndrome. Identifiers: Orphanet 140162, MedGen C0027672, MeSH D009386, MONDO:0015356.

gnomAD v4.1: 1 of 1,595,840 alleles (0.000063%); no homozygotes.

Submission:

Ambry Genetics
Classification: Uncertain significance for Hereditary cancer-predisposing syndrome. Last evaluated: 2025-03-14. Review status: criteria provided, single submitter. Criteria: Ambry Variant Classification Scheme 2023. Collection method: clinical testing. Allele origin: germline.
Comment: The p.P1105L variant (also known as c.3314C>T), located in coding exon 10 of the BRCA2 gene, results from a C to T substitution at nucleotide position 3314. The proline at codon 1105 is replaced by leucine, an amino acid with similar properties. This amino acid position is conserved. In addition, this alteration is predicted to be tolerated by in silico analysis. Based on the available evidence, the clinical significance of this variant remains unclear.